The following is an entry in ClinVar:

ClinVar aggregate classification (germline): Likely pathogenic (1 of 4 stars; one submission).

Conditions:
Oculocutaneous albinism type 4 (OCA4). Also called: Albinism, oculocutaneous, type IV. Identifiers: Orphanet 79435, MedGen C1847836, MONDO:0011683, OMIM 606574.

gnomAD v4.1: 5 of 1,614,208 alleles (0.00031%); highest among the groups gnomAD compares: Admixed American, 0.0017%; no homozygotes.

Submission:

Molecular Vision Laboratory
Classification: Likely pathogenic for Oculocutaneous albinism type 4. Last evaluated: 2025-11-06. Review status: criteria provided, single submitter. Criteria: ACMG Guidelines, 2015. Collection method: clinical testing. Allele origin: germline. Affected: yes. Observed: 3 variant alleles.
Comment: PP3 - missense variant where multiple aggregate computational tools support deleterious effect. PP2 - missense variant with a low rate of benign missense variants; missense mutations are common mechanism for disease (51 pathogenic missense variants and 9 benign missense variants ni the gene). PM1 - exonic hotspot (6 pathogenic or likely pathogenic reported variants found in a 212bp region surrounding this variant, without any missense benign variants). PM2 - 0.003% in gnomAD maximal non founder subpopulation frequency.

NM_016180.5(SLC45A2):c.1238G>A (p.Gly413Glu)

Gene: SLC45A2 (solute carrier family 45 member 2; minus strand). Cytogenetic location: 5p13.2.
Variant type: single nucleotide variant.
Coding change: c.1238G>A on transcript NM_016180.5 (MANE Select); coding-DNA position 1238, G replaced by A.
Protein change: p.Gly413Glu; replaces glycine 413 with glutamic acid.
Molecular consequence: missense variant.
Genome position (GRCh38, 1-based): chr5:33,947,293, C>T on the plus strand (G>A on the coding strand, the complement: SLC45A2 is on the minus strand). VCF-style: chr5-33947293-C-T. GRCh37 (hg19) VCF-style: chr5-33947398-C-T.
Other names: c.1238G>A, p.Gly413Glu (NM_001012509.4); short protein forms G413E.
Identifiers: ClinVar variation 4528334 (VCV004528334.1).